The following is an entry in ClinVar:

ClinVar aggregate classification (germline): Uncertain significance. Review status: criteria provided, multiple submitters, no conflicts (2 of 4 stars). 2 submissions from 2 submitters: Uncertain significance (2). Last evaluated 2026-06-09.

Conditions:
RAI1-related disorder. Also called: RAI1-related condition.

Allele frequency attached by ClinVar (database versions not stated): ExAC 0.00001; gnomAD 0.00001; gnomAD exomes 0.00001; TOPMed 0.00002.
gnomAD v4.1: 11 of 1,613,212 alleles (0.00068%); highest among the groups gnomAD compares: South Asian, 0.0011%; no homozygotes.

Submissions (2):

PreventionGenetics, part of Exact Sciences
Classification: Uncertain significance for RAI1-related condition. Last evaluated: 2026-06-09. Review status: criteria provided, single submitter. Criteria: ACMG Guidelines, 2015. Collection method: clinical testing. Allele origin: germline.
Comment: The RAI1 c.2903C>T variant is predicted to result in the amino acid substitution p.Ser968Leu. To our knowledge, this variant has not been reported in the literature. This variant is reported in 0.0065% of alleles in individuals of South Asian descent in gnomAD. At this time, the clinical significance of this variant is uncertain due to the absence of conclusive functional and genetic evidence.

Labcorp Genetics (formerly Invitae), Labcorp
Classification: Uncertain significance. Last evaluated: 2025-08-01. Review status: criteria provided, single submitter. Criteria: Invitae Variant Classification Sherloc (09022015). Collection method: clinical testing. Allele origin: germline.
Comment: This sequence change replaces serine, which is neutral and polar, with leucine, which is neutral and non-polar, at codon 968 of the RAI1 protein (p.Ser968Leu). This variant is present in population databases (rs768781835, gnomAD 0.003%). This variant has not been reported in the literature in individuals affected with RAI1-related conditions. ClinVar contains an entry for this variant (Variation ID: 1465481). Invitae Evidence Modeling of protein sequence and biophysical properties (such as structural, functional, and spatial information, amino acid conservation, physicochemical variation, residue mobility, and thermodynamic stability) indicates that this missense variant is not expected to disrupt RAI1 protein function with a negative predictive value of 80%. In summary, the available evidence is currently insufficient to determine the role of this variant in disease. Therefore, it has been classified as a Variant of Uncertain Significance.

NM_030665.4(RAI1):c.2903C>T (p.Ser968Leu)

Gene: RAI1 (retinoic acid induced 1; plus strand). Cytogenetic location: 17p11.2.
Variant type: single nucleotide variant.
Coding change: c.2903C>T on transcript NM_030665.4 (MANE Select); coding-DNA position 2903, C replaced by T.
Protein change: p.Ser968Leu; replaces serine 968 with leucine.
Molecular consequence: missense variant.
Genome position (GRCh38, 1-based): chr17:17,795,851, C>T. VCF-style: chr17-17795851-C-T. GRCh37 (hg19) VCF-style: chr17-17699165-C-T.
Other names: c.2903C>T (NM_030665.3); short protein forms S968L.
Identifiers: ClinVar variation 1465481 (VCV001465481.9), dbSNP rs768781835, ClinGen allele CA8418626.